The following is an entry in ClinVar:

NM_000264.5(PTCH1):c.2918A>G (p.Gln973Arg)

Gene: PTCH1 (patched 1; minus strand). Cytogenetic location: 9q22.32.
Variant type: single nucleotide variant.
Coding change: c.2918A>G on transcript NM_000264.5 (MANE Select); coding-DNA position 2918, A replaced by G.
Protein change: p.Gln973Arg; replaces glutamine 973 with arginine.
Molecular consequence: missense variant. On other transcripts: non-coding transcript variant (1).
Genome position (GRCh38, 1-based): chr9:95,458,263, T>C on the plus strand (A>G on the coding strand, the complement: PTCH1 is on the minus strand). VCF-style: chr9-95458263-T-C. GRCh37 (hg19) VCF-style: chr9-98220545-T-C.
Other names: c.2720A>G, p.Gln907Arg (NM_001083602.3); c.2915A>G, p.Gln972Arg (NM_001083603.3); c.2465A>G, p.Gln822Arg (NM_001083604.3, NM_001083605.3, NM_001083606.3 and 1 more transcripts); c.2762A>G, p.Gln921Arg (NM_001354918.2); short protein forms Q822R, Q921R, Q972R, Q973R, Q907R.
Identifiers: ClinVar variation 3784635 (VCV003784635.1).

ClinVar aggregate classification (germline): Uncertain significance (1 of 4 stars; one submission).

Conditions:
Hereditary cancer-predisposing syndrome. Also called: Neoplastic Syndromes, Hereditary; Hereditary Cancer Syndrome; Tumor predisposition; Hereditary neoplastic syndrome. Identifiers: Orphanet 140162, MedGen C0027672, MeSH D009386, MONDO:0015356.

Submission:

Ambry Genetics
Classification: Uncertain significance for Hereditary cancer-predisposing syndrome. Last evaluated: 2025-01-11. Review status: criteria provided, single submitter. Criteria: Ambry Variant Classification Scheme 2023. Collection method: clinical testing. Allele origin: germline.
Comment: The p.Q973R variant (also known as c.2918A>G), located in coding exon 18 of the PTCH1 gene, results from an A to G substitution at nucleotide position 2918. The glutamine at codon 973 is replaced by arginine, an amino acid with highly similar properties. This amino acid position is conserved. In addition, this alteration is predicted to be deleterious by in silico analysis. Based on the available evidence, the clinical significance of this variant remains unclear.